The following is an entry in ClinVar:

NM_001377.3(DYNC2H1):c.8831A>G (p.Gln2944Arg)

Gene: DYNC2H1 (dynein cytoplasmic 2 heavy chain 1; plus strand). Cytogenetic location: 11q22.3.
Variant type: single nucleotide variant.
Coding change: c.8831A>G on transcript NM_001377.3 (MANE Select); coding-DNA position 8831, A replaced by G.
Protein change: p.Gln2944Arg; replaces glutamine 2944 with arginine.
Molecular consequence: missense variant.
Genome position (GRCh38, 1-based): chr11:103,215,857, A>G. VCF-style: chr11-103215857-A-G. GRCh37 (hg19) VCF-style: chr11-103086586-A-G.
Other names: p.Gln2944Arg; c.8831A>G, p.Gln2944Arg (NM_001080463.2); short protein forms Q2944R.
Identifiers: ClinVar variation 698443 (VCV000698443.15), dbSNP rs201252553, ClinGen allele CA6254537.

ClinVar aggregate classification (germline): Conflicting classifications of pathogenicity. Review status: criteria provided, conflicting classifications (1 of 4 stars). 5 submissions from 5 submitters: Uncertain significance (2); Benign (1); Likely benign (1). 1 of the submissions does not count toward it. Last evaluated 2026-01-28.

Conditions:
DYNC2H1-related disorder. Also called: DYNC2H1-related condition; DYNC2H1-related disorders. Identifiers: MedGen CN378770.
Jeune thoracic dystrophy. Also called: Short-rib thoracic dysplasia; Jeune syndrome; Infantile thoracic dystrophy; Thoracic pelvic phalangeal dystrophy; Jeune's syndrome; Chondroectodermal dysplasia-like syndrome. Identifiers: Orphanet 474, MedGen C0265275, MONDO:0018770.

Allele frequency attached by ClinVar (database versions not stated): gnomAD exomes 0.00006 and 0.00012; ExAC 0.00021; gnomAD 0.00059 and 0.00064; TOPMed 0.00072; ESP Exome Variant Server 0.00074; 1000 Genomes Project 0.00100; 1000 Genomes Project 30x 0.00125.
gnomAD v4.1: 172 of 1,612,376 alleles (0.011%); highest among the groups gnomAD compares: African/African-American, 0.22%; 1 homozygote.

Submissions (5):

Labcorp Genetics (formerly Invitae), Labcorp
Classification: Likely benign for Jeune thoracic dystrophy. Last evaluated: 2026-01-28. Review status: criteria provided, single submitter. Criteria: Invitae Variant Classification Sherloc (09022015). Collection method: clinical testing. Allele origin: germline.

Blueprint Genetics
Classification: Benign. Last evaluated: 2024-08-08. Review status: criteria provided, single submitter. Criteria: ACMG Guidelines, 2015. Collection method: clinical testing. Allele origin: germline.

Women's Health and Genetics/Laboratory Corporation of America, LabCorp
Classification: Uncertain significance. Last evaluated: 2024-06-11. Review status: criteria provided, single submitter. Criteria: LabCorp Variant Classification Summary - May 2015. Collection method: clinical testing. Allele origin: germline.
Comment: Variant summary: DYNC2H1 c.8831A>G (p.Gln2944Arg) results in a conservative amino acid change located in the Dynein heavy chain, coiled coil stalk domain (IPR024743) of the encoded protein sequence. Four of five in-silico tools predict a benign effect of the variant on protein function. Several computational tools predict a significant impact on normal splicing: Three predict the variant weakens the canonical 5' donor site and one predicts the variant abolishes the 5' splicing donor site. However, these predictions have yet to be confirmed by functional studies. The variant allele was found at a frequency of 0.00012 in 244826 control chromosomes, predominantly at a frequency of 0.0018 within the African or African-American subpopulation in the gnomAD database. This frequency is not significantly higher than estimated for a pathogenic variant in DYNC2H1 causing Short-rib thoracic dysplasia (0.00012 vs 0.0025), allowing no conclusion about variant significance. To our knowledge, no occurrence of c.8831A>G in individuals affected with Short-rib thoracic dysplasia and no experimental evidence demonstrating its impact on protein function have been reported. ClinVar contains an entry for this variant (Variation ID: 698443). Based on the evidence outlined above, the variant was classified as uncertain significance.

Mayo Clinic Laboratories, Mayo Clinic
Classification: Uncertain significance. Last evaluated: 2023-04-04. Review status: criteria provided, single submitter. Criteria: ACMG Guidelines, 2015. Collection method: clinical testing. Allele origin: germline. Observed: 2 variant alleles.

PreventionGenetics, part of Exact Sciences
Classification: Likely benign for DYNC2H1-related condition. Last evaluated: 2022-09-13. Review status: no assertion criteria provided. Collection method: clinical testing. Allele origin: germline. Not counted in ClinVar's aggregate classification.
Comment: This variant is classified as likely benign based on ACMG/AMP sequence variant interpretation guidelines (Richards et al. 2015 PMID: 25741868, with internal and published modifications).